The following continues an entry in ClinVar:

NM_206933.4(USH2A):c.2276G>T (p.Cys759Phe)

Gene: USH2A. ClinVar aggregate classification (germline): Pathogenic. Pathogenic (1).

Submissions 59 to 61 of 61:

Clinical Genetics, Academic Medical Center
Classification: Pathogenic. Review status: no assertion criteria provided. Collection method: clinical testing. Allele origin: germline. Affected: yes. Study: VKGL Data-share Consensus. Not counted in ClinVar's aggregate classification.

GeneReviews
No classification provided. Condition: Retinitis pigmentosa. Review status: no classification provided. Collection method: literature only. Allele origin: unknown. Not counted in ClinVar's aggregate classification.

Genome Diagnostics Laboratory, Amsterdam University Medical Center
Classification: Pathogenic. Review status: no assertion criteria provided. Collection method: clinical testing. Allele origin: germline. Affected: yes. Study: VKGL Data-share Consensus. Not counted in ClinVar's aggregate classification.

Literature cited by the submitters: PubMed 25262649 (cited by ClinGen Hearing Loss Variant Curation Expert Panel and Institute of Human Genetics, Univ. Regensburg, Univ. Regensburg); PubMed 26764160 (cited by ClinGen Hearing Loss Variant Curation Expert Panel and Institute of Human Genetics, Univ. Regensburg, Univ. Regensburg); PubMed 25261458 (cited by ClinGen Hearing Loss Variant Curation Expert Panel); PubMed 25823529 (cited by 5 submitters); PubMed 42233699 (cited by Laboratory of Molecular, Cellular and Translation Genetics in Otolaryngology/ Lim32-hcfmusp, University of Sao Paulo School of Medicine Clinics Hospital); PubMed 10775529 (cited by 11 submitters); PubMed 12525556 (cited by 8 submitters); PubMed 15325563 (cited by 4 submitters); PubMed 25649381 (cited by 6 submitters); PubMed 25910913 (cited by Labcorp Genetics (formerly Invitae), Labcorp and Institute of Human Genetics, Univ. Regensburg, Univ. Regensburg); PubMed 28041643 (cited by 6 submitters); PubMed 29283788 (cited by 3billion and Institute of Human Genetics, Univ. Regensburg, Univ. Regensburg); PubMed 21151602 (cited by 4 submitters); PubMed 22334370 (cited by 3billion); PubMed 35672333 (cited by Otogenetics and Institute of Human Genetics, Univ. Regensburg, Univ. Regensburg); PubMed 37287646 (cited by Otogenetics); PubMed 27318125 (cited by Natera, Inc.); PubMed 22004887 (cited by 4 submitters); PubMed 29912909 (cited by 6 submitters); PubMed 20301515 (cited by 4 submitters); PubMed 36909829 (cited by Ophthalmic Genetics Group, Institute of Molecular and Clinical Ophthalmology Basel); PubMed 14970843 (cited by 5 submitters); PubMed 25326637 (cited by Institute of Human Genetics, Univ. Regensburg, Univ. Regensburg); PubMed 24963352 (cited by Institute of Human Genetics, Univ. Regensburg, Univ. Regensburg); PubMed 25097241 (cited by Institute of Human Genetics, Univ. Regensburg, Univ. Regensburg); PubMed 25472526 (cited by Institute of Human Genetics, Univ. Regensburg, Univ. Regensburg); PubMed 26969326 (cited by Institute of Human Genetics, Univ. Regensburg, Univ. Regensburg); PubMed 28559085 (cited by Institute of Human Genetics, Univ. Regensburg, Univ. Regensburg); PubMed 28838317 (cited by Institute of Human Genetics, Univ. Regensburg, Univ. Regensburg); PubMed 30245029 (cited by Institute of Human Genetics, Univ. Regensburg, Univ. Regensburg); PubMed 29953849 (cited by Institute of Human Genetics, Univ. Regensburg, Univ. Regensburg); PubMed 30337596 (cited by Institute of Human Genetics, Univ. Regensburg, Univ. Regensburg); PubMed 29431110 (cited by Institute of Human Genetics, Univ. Regensburg, Univ. Regensburg); PubMed 29588463 (cited by Institute of Human Genetics, Univ. Regensburg, Univ. Regensburg); PubMed 30390570 (cited by Institute of Human Genetics, Univ. Regensburg, Univ. Regensburg); PubMed 28945494 (cited by Institute of Human Genetics, Univ. Regensburg, Univ. Regensburg); PubMed 30609409 (cited by Institute of Human Genetics, Univ. Regensburg, Univ. Regensburg); PubMed 30924848 (cited by Institute of Human Genetics, Univ. Regensburg, Univ. Regensburg); PubMed 31877679 (cited by Institute of Human Genetics, Univ. Regensburg, Univ. Regensburg); PubMed 32483926 (cited by Institute of Human Genetics, Univ. Regensburg, Univ. Regensburg); PubMed 32050993 (cited by Institute of Human Genetics, Univ. Regensburg, Univ. Regensburg); PubMed 31964843 (cited by Institute of Human Genetics, Univ. Regensburg, Univ. Regensburg); PubMed 31429209 (cited by Institute of Human Genetics, Univ. Regensburg, Univ. Regensburg); PubMed 33302505 (cited by Institute of Human Genetics, Univ. Regensburg, Univ. Regensburg); PubMed 32176120 (cited by Institute of Human Genetics, Univ. Regensburg, Univ. Regensburg); PubMed 33105617 (cited by Institute of Human Genetics, Univ. Regensburg, Univ. Regensburg); PubMed 32036094 (cited by Institute of Human Genetics, Univ. Regensburg, Univ. Regensburg); PubMed 32581362 (cited by Institute of Human Genetics, Univ. Regensburg, Univ. Regensburg); PubMed 33089500 (cited by Institute of Human Genetics, Univ. Regensburg, Univ. Regensburg); PubMed 32531858 (cited by Institute of Human Genetics, Univ. Regensburg, Univ. Regensburg); PubMed 32037395 (cited by Institute of Human Genetics, Univ. Regensburg, Univ. Regensburg); PubMed 34599368 (cited by Institute of Human Genetics, Univ. Regensburg, Univ. Regensburg); PubMed 33576794 (cited by Institute of Human Genetics, Univ. Regensburg, Univ. Regensburg); PubMed 34327195 (cited by Institute of Human Genetics, Univ. Regensburg, Univ. Regensburg); PubMed 34426522 (cited by Institute of Human Genetics, Univ. Regensburg, Univ. Regensburg); PubMed 34948090 (cited by Institute of Human Genetics, Univ. Regensburg, Univ. Regensburg); PubMed 35052694 (cited by Institute of Human Genetics, Univ. Regensburg, Univ. Regensburg); PubMed 33749171 (cited by Institute of Human Genetics, Univ. Regensburg, Univ. Regensburg); PubMed 34781295 (cited by Institute of Human Genetics, Univ. Regensburg, Univ. Regensburg); PubMed 36011334 (cited by Institute of Human Genetics, Univ. Regensburg, Univ. Regensburg); PubMed 35266249 (cited by Institute of Human Genetics, Univ. Regensburg, Univ. Regensburg); PubMed 36460718 (cited by Institute of Human Genetics, Univ. Regensburg, Univ. Regensburg); PubMed 35836572 (cited by Institute of Human Genetics, Univ. Regensburg, Univ. Regensburg); PubMed 35248879 (cited by Institute of Human Genetics, Univ. Regensburg, Univ. Regensburg); PubMed 36051698 (cited by Institute of Human Genetics, Univ. Regensburg, Univ. Regensburg); PubMed 36819107 (cited by Institute of Human Genetics, Univ. Regensburg, Univ. Regensburg); PubMed 36785559 (cited by Institute of Human Genetics, Univ. Regensburg, Univ. Regensburg); PubMed 24944099 (cited by 5 submitters); PubMed 34906470 (cited by Broad Center for Mendelian Genomics, Broad Institute of MIT and Harvard); PubMed 1968399 (cited by Myriad Genetics, Inc.); PubMed 18273898 (cited by 4 submitters); PubMed 10909849 (cited by 3 submitters); PubMed 12112664 (cited by Laboratory for Molecular Medicine, Mass General Brigham Personalized Medicine and Illumina Laboratory Services, Illumina); PubMed 16098008 (cited by Laboratory for Molecular Medicine, Mass General Brigham Personalized Medicine and Illumina Laboratory Services, Illumina); PubMed 17085681 (cited by Laboratory for Molecular Medicine, Mass General Brigham Personalized Medicine and Illumina Laboratory Services, Illumina); PubMed 17405132 (cited by Laboratory for Molecular Medicine, Mass General Brigham Personalized Medicine and Illumina Laboratory Services, Illumina); PubMed 12427073 (cited by 4 submitters); PubMed 18641288 (cited by 3 submitters); PubMed 21738395 (cited by Laboratory for Molecular Medicine, Mass General Brigham Personalized Medicine and Illumina Laboratory Services, Illumina); PubMed 23591405 (cited by Eurofins Ntd Llc (ga) and Illumina Laboratory Services, Illumina); PubMed 25375654 (cited by Illumina Laboratory Services, Illumina); PubMed 25078356 (cited by Illumina Laboratory Services, Illumina); PubMed 30718709 (cited by Department of Clinical Genetics, Copenhagen University Hospital, Rigshospitalet); PubMed 19683999 (cited by Counsyl); PubMed 26355662 (cited by Faculty of Health Sciences, Beirut Arab University); NCBI Bookshelf NBK1341 (cited by GeneReviews).